The following is an entry in ClinVar:

NM_000313.4(PROS1):c.1191T>C (p.Ile397=)

Gene: PROS1 (protein S; minus strand). Cytogenetic location: 3q11.1.
Variant type: single nucleotide variant.
Coding change: c.1191T>C on transcript NM_000313.4 (MANE Select); coding-DNA position 1191, T replaced by C.
Protein change: p.Ile397=; no amino-acid change (isoleucine 397 retained).
Molecular consequence: synonymous variant.
Genome position (GRCh38, 1-based): chr3:93,886,468, A>G on the plus strand (T>C on the coding strand, the complement: PROS1 is on the minus strand). VCF-style: chr3-93886468-A-G. GRCh37 (hg19) VCF-style: chr3-93605312-A-G.
Other names: c.1287T>C, p.Ile429= (NM_001314077.2).
Identifiers: ClinVar variation 3029009 (VCV003029009.4), dbSNP rs751672587, ClinGen allele CA2503253.

ClinVar aggregate classification (germline): Likely benign. Review status: criteria provided, single submitter (1 of 4 stars). 2 submissions from 2 submitters: Likely benign (1). 1 of the submissions does not count toward it. Last evaluated 2024-04-15.

Conditions:
PROS1-related disorder. Also called: PROS1-related condition.
Thrombophilia due to protein S deficiency, autosomal recessive (THPH6). Identifiers: Orphanet 743, MedGen C3281092, MONDO:0013791, OMIM 614514. Disease mechanism: loss of function.

Allele frequency attached by ClinVar (database versions not stated): gnomAD exomes below 0.00001; ExAC 0.00001; gnomAD 0.00003; TOPMed 0.00007.
gnomAD v4.1: 10 of 1,611,670 alleles (0.00062%); highest among the groups gnomAD compares: African/African-American, 0.012%; no homozygotes.

Submissions (2):

Labcorp Genetics (formerly Invitae), Labcorp
Classification: Likely benign for Thrombophilia due to protein S deficiency, autosomal recessive. Last evaluated: 2024-04-15. Review status: criteria provided, single submitter. Criteria: Invitae Variant Classification Sherloc (09022015). Collection method: clinical testing. Allele origin: germline.

PreventionGenetics, part of Exact Sciences
Classification: Likely benign for PROS1-related condition. Last evaluated: 2023-10-18. Review status: no assertion criteria provided. Collection method: clinical testing. Allele origin: germline. Not counted in ClinVar's aggregate classification.
Comment: This variant is classified as likely benign based on ACMG/AMP sequence variant interpretation guidelines (Richards et al. 2015 PMID: 25741868, with internal and published modifications).